The following is an entry in ClinVar:

NM_000021.4(PSEN1):c.1184A>G (p.Lys395Arg)

Gene: PSEN1 (presenilin 1; plus strand). Cytogenetic location: 14q24.2.
Variant type: single nucleotide variant.
Coding change: c.1184A>G on transcript NM_000021.4 (MANE Select); coding-DNA position 1184, A replaced by G.
Protein change: p.Lys395Arg; replaces lysine 395 with arginine.
Molecular consequence: missense variant.
Genome position (GRCh38, 1-based): chr14:73,217,180, A>G. VCF-style: chr14-73217180-A-G. GRCh37 (hg19) VCF-style: chr14-73683888-A-G.
Other names: c.1172A>G, p.Lys391Arg (NM_007318.3); short protein forms K391R, K395R.
Identifiers: ClinVar variation 3901839 (VCV003901839.1).
Genomic context (GRCh38, chr14:73,217,180, plus strand): 5'-TTTTAGGGGGAGTAAAACTTGGATTGGGAGATTTCATTTTCTACAGTGTTCTGGTTGGTA[A>G]AGCCTCAGCAACAGCCAGTGGAGACTGGAACACAACCATAGCCTGTTTCGTAGCCATATT-3'
Protein context (NP_000012.1, residues 385-405): DFIFYSVLVG[Lys395Arg]ASATASGDWN

ClinVar aggregate classification (germline): Likely pathogenic (1 of 4 stars; one submission).

Conditions:
Alzheimer disease 3 (AD3). Also called: ALZHEIMER DISEASE, FAMILIAL, 3. Identifiers: Orphanet 1020, MedGen C1843013, MONDO:0011913, OMIM 607822.

Submission:

Human Genome Lab, NIMHANS, National Institute of Mental Health and Neuro Sciences
Classification: Likely pathogenic for Alzheimer disease 3. Review status: criteria provided, single submitter. Criteria: ACMG Guidelines, 2015. Collection method: clinical testing. Allele origin: germline. Inheritance: Autosomal dominant inheritance. Affected: yes. Observed: 1 heterozygote.
Comment: The missense variant NM_000021.4(PSEN1):c.1184A>G (p.Lys395Arg) has not been reported previously as a pathogenic variant nor as a benign variant, to our knowledge. The p.Lys395Arg variant is novel in 1kG All and gnomAD Joint variant frequencies database (PM2). There is a small physicochemical difference between lysine and arginine, which is not likely to impact secondary protein structure as these residues share similar properties. The gene PSEN1 has a low rate of benign missense variation as indicated by a high missense variants Z-Score of 3.10. The gene PSEN1 contains 123 pathogenic missense variants, indicating that missense variants are a common mechanism of disease in this gene (PP2). 4 variants within 6 amino acid positions of the variant p.Lys395Arg have been shown to be pathogenic, while none have been shown to be benign (PM1). The p.Lys395Arg missense variant is predicted to be damaging by both SIFT and PolyPhen2. The lysine residue at codon 395 of PSEN1 is conserved in all mammalian species. The nucleotide c.1184 in PSEN1 is predicted conserved by GERP++ and PhyloP across 100 vertebrates (PP3). For these reasons, this variant has been classified as Likely Pathogenic. ACMG Criteria: PM2 PM1 PP2 PP3